The following is an entry in ClinVar:

NM_015021.3(ZNF292):c.6553G>A (p.Ala2185Thr)

Gene: ZNF292 (zinc finger protein 292; plus strand). Cytogenetic location: 6q14.3.
Variant type: single nucleotide variant.
Coding change: c.6553G>A on transcript NM_015021.3 (MANE Select); coding-DNA position 6553, G replaced by A.
Protein change: p.Ala2185Thr; replaces alanine 2185 with threonine.
Molecular consequence: missense variant.
Genome position (GRCh38, 1-based): chr6:87,260,182, G>A. VCF-style: chr6-87260182-G-A. GRCh37 (hg19) VCF-style: chr6-87969900-G-A.
Other names: c.6133G>A, p.Ala2045Thr (NM_001351444.2); short protein forms A2045T, A2185T.
Identifiers: ClinVar variation 4635186 (VCV004635186.1).

ClinVar aggregate classification (germline): Uncertain significance (1 of 4 stars; one submission).

Conditions:
Inborn genetic diseases. Identifiers: MedGen C0950123, MeSH D030342.

gnomAD v4.1: 2 of 1,612,636 alleles (0.00012%); highest among the groups gnomAD compares: African/African-American, 0.0027%; no homozygotes.

Submission:

Ambry Genetics
Classification: Uncertain significance for Inborn genetic diseases. Last evaluated: 2025-11-03. Review status: criteria provided, single submitter. Criteria: Ambry Variant Classification Scheme 2023. Collection method: clinical testing. Allele origin: germline.
Comment: The c.6553G>A (p.A2185T) alteration is located in exon 8 (coding exon 8) of the ZNF292 gene. This alteration results from a G to A substitution at nucleotide position 6553, causing the alanine (A) at amino acid position 2185 to be replaced by a threonine (T). Based on data from gnomAD, the A allele has an overall frequency of 0.003% (1/31392) total alleles studied. The highest observed frequency was 0.012% (1/8714) of African alleles. Based on insufficient or conflicting evidence, the clinical significance of this alteration remains unclear.